The following is an entry in ClinVar:

NM_001330.5(CTF1):c.26-1G>A

Gene: CTF1 (cardiotrophin 1; plus strand). Cytogenetic location: 16p11.2.
Variant type: single nucleotide variant.
Coding change: c.26-1G>A on transcript NM_001330.5 (MANE Select); the canonical splice acceptor site of the intron before coding-DNA position 26, G replaced by A.
Molecular consequence: splice acceptor variant. On other transcripts: non-coding transcript variant (1), intron variant (1).
Genome position (GRCh38, 1-based): chr16:30,899,414, G>A. VCF-style: chr16-30899414-G-A. GRCh37 (hg19) VCF-style: chr16-30910735-G-A.
Other names: c.26-4G>A (NM_001142544.3).
Identifiers: ClinVar variation 640474 (VCV000640474.7), dbSNP rs1303838927, ClinGen allele CA395633001.

ClinVar aggregate classification (germline): Uncertain significance (1 of 4 stars; one submission).

Allele frequency attached by ClinVar (database versions not stated): gnomAD exomes below 0.00001.
gnomAD v4.1: 5 of 1,602,866 alleles (0.00031%); highest among the groups gnomAD compares: African/African-American, 0.0013%; no homozygotes.

Submission:

Labcorp Genetics (formerly Invitae), Labcorp
Classification: Uncertain significance. Last evaluated: 2025-11-24. Review status: criteria provided, single submitter. Criteria: Invitae Variant Classification Sherloc (09022015). Collection method: clinical testing. Allele origin: germline.
Comment: This sequence change affects an acceptor splice site in intron 1 of the CTF1 gene. It is expected to disrupt RNA splicing. Variants that disrupt the donor or acceptor splice site typically lead to a loss of protein function (PMID: 16199547), however the current clinical and genetic evidence is not sufficient to establish whether loss-of-function variants in CTF1 cause disease. This variant is present in population databases (no rsID available, gnomAD 0.0009%). This variant has not been reported in the literature in individuals affected with CTF1-related conditions. ClinVar contains an entry for this variant (Variation ID: 640474). Algorithms developed to predict the effect of sequence changes on RNA splicing suggest that this variant may disrupt the consensus splice site. In summary, the available evidence is currently insufficient to determine the role of this variant in disease. Therefore, it has been classified as a Variant of Uncertain Significance.

Literature cited by the submitters: PubMed 16199547.